The following is an entry in ClinVar:

NM_018417.6(ADCY10):c.945G>A (p.Gln315=)

Genes: DCAF6 (DDB1 and CUL4 associated factor 6; plus strand), ADCY10 (adenylate cyclase 10; minus strand). Cytogenetic location: 1q24.2.
Variant type: single nucleotide variant.
Coding change: c.945G>A on transcript NM_018417.6 (MANE Select); coding-DNA position 945, G replaced by A.
Protein change: p.Gln315=; no amino-acid change (glutamine 315 retained).
Molecular consequence: synonymous variant.
Genome position (GRCh38, 1-based): chr1:167,883,512, C>T on the plus strand (G>A on the coding strand, the complement: ADCY10 is on the minus strand). VCF-style: chr1-167883512-C-T. GRCh37 (hg19) VCF-style: chr1-167852750-C-T.
Other names: c.486G>A, p.Gln162= (NM_001167749.3); c.669G>A, p.Gln223= (NM_001297772.2); c.945G>A (NM_018417.5).
Identifiers: ClinVar variation 2071226 (VCV002071226.5), dbSNP rs150163239, ClinGen allele CA1228120.
Genomic context (GRCh38, chr1:167,883,512, plus strand): 5'-GACTTTATTGATTTGGCCTTGGAAGATCTTCAGGACAGAAGTGATGTGCATATAGGCATC[C>T]TGGATGGCTGGGCCTATCTCTTCTGCTTTGTCTTGGTCTTCAAACATCAGGTTCACAAAC-3'
Protein context (NP_060887.2, residues 305-325): DKAEEIGPAI[Gln315=]DAYMHITSVL

ClinVar aggregate classification (germline): Benign/Likely benign. Review status: criteria provided, multiple submitters, no conflicts (2 of 4 stars). 2 submissions from 2 submitters: Benign (1); Likely benign (1). Last evaluated 2025-09-24.

Conditions:
ADCY10-related disorder. Also called: ADCY10-related condition.

Allele frequency attached by ClinVar (database versions not stated): gnomAD exomes 0.00005; 1000 Genomes Project 30x 0.00016; 1000 Genomes Project 0.00020; ExAC 0.00020; gnomAD 0.00068; TOPMed 0.00074; ESP Exome Variant Server 0.00108.
gnomAD v4.1: 184 of 1,614,220 alleles (0.011%); highest among the groups gnomAD compares: African/African-American, 0.23%; no homozygotes.

Submissions (2):

Labcorp Genetics (formerly Invitae), Labcorp
Classification: Benign. Last evaluated: 2025-09-24. Review status: criteria provided, single submitter. Criteria: Invitae Variant Classification Sherloc (09022015). Collection method: clinical testing. Allele origin: germline.

PreventionGenetics, part of Exact Sciences
Classification: Likely benign for ADCY10-related condition. Last evaluated: 2025-01-29. Review status: criteria provided, single submitter. Criteria: ACMG Guidelines, 2015. Collection method: clinical testing. Allele origin: germline.
Comment: This variant is classified as likely benign based on ACMG/AMP sequence variant interpretation guidelines (Richards et al. 2015 PMID: 25741868, with internal and published modifications).